The following is an entry in ClinVar:

ClinVar aggregate classification (germline): Uncertain significance (1 of 4 stars; one submission).

Conditions:
Dilated cardiomyopathy 1G (CMD1G). Identifiers: Orphanet 154, MedGen C1858763, MONDO:0011400, OMIM 604145.
Autosomal recessive limb-girdle muscular dystrophy type 2J (LGMDR10). Also called: Limb-girdle muscular dystrophy, type 2J; MUSCULAR DYSTROPHY, LIMB-GIRDLE, AUTOSOMAL RECESSIVE 10. Identifiers: Orphanet 140922, MedGen C1837342, MONDO:0012127, OMIM 608807.

gnomAD v4.1: 2 of 1,591,144 alleles (0.00013%); highest among the groups gnomAD compares: South Asian, 0.0011%; no homozygotes.

Submission:

Labcorp Genetics (formerly Invitae), Labcorp
Classification: Uncertain significance for Dilated cardiomyopathy 1G; Autosomal recessive limb-girdle muscular dystrophy type 2J. Last evaluated: 2023-08-11. Review status: criteria provided, single submitter. Criteria: Invitae Variant Classification Sherloc (09022015). Collection method: clinical testing. Allele origin: germline.
Comment: In summary, the available evidence is currently insufficient to determine the role of this variant in disease. Therefore, it has been classified as a Variant of Uncertain Significance. This variant is located in the A band of TTN (PMID: 25589632). Variants in this region may be relevant for cardiac or neuromuscular disorders (PMID: 25589632, 23975875). Experimental studies and prediction algorithms are not available or were not evaluated, and the functional significance of this variant is currently unknown. ClinVar contains an entry for this variant (Variation ID: 1062901). This missense change has been observed in individual(s) with dilated cardiomyopathy (Invitae). This variant is not present in population databases (gnomAD no frequency). This sequence change replaces proline, which is neutral and non-polar, with leucine, which is neutral and non-polar, at codon 30171 of the TTN protein (p.Pro30171Leu).

Literature cited by the submitters: PubMed 25589632; PubMed 23975875.

NM_001267550.2(TTN):c.90512C>T (p.Pro30171Leu)

Genes: TTN (titin; minus strand), TTN-AS1 (TTN antisense RNA 1; plus strand). Cytogenetic location: 2q31.2.
Variant type: single nucleotide variant.
Coding change: c.90512C>T on transcript NM_001267550.2 (MANE Select); coding-DNA position 90512, C replaced by T.
Protein change: p.Pro30171Leu; replaces proline 30171 with leucine.
Molecular consequence: missense variant.
Genome position (GRCh38, 1-based): chr2:178,552,388, G>A on the plus strand (C>T on the coding strand, the complement: TTN is on the minus strand). VCF-style: chr2-178552388-G-A. GRCh37 (hg19) VCF-style: chr2-179417115-G-A.
Other names: c.85589C>T, p.Pro28530Leu (NM_001256850.1); c.63317C>T, p.Pro21106Leu (NM_003319.4); c.82808C>T, p.Pro27603Leu (NM_133378.4); c.63692C>T, p.Pro21231Leu (NM_133432.3); c.63893C>T, p.Pro21298Leu (NM_133437.4); short protein forms P21106L, P21231L, P21298L, P27603L, P28530L, P30171L.
Identifiers: ClinVar variation 1062901 (VCV001062901.7), dbSNP rs2154151253, ClinGen allele CA349510238.